The following is an entry in ClinVar:

ClinVar aggregate classification (germline): Uncertain significance. Review status: criteria provided, multiple submitters, no conflicts (2 of 4 stars). 3 submissions from 3 submitters: Uncertain significance (2). 1 of the submissions does not count toward it. Last evaluated 2024-11-09.

Conditions:
Inborn genetic diseases. Identifiers: MedGen C0950123, MeSH D030342.
Usher syndrome type 1B (USH1B). Also called: Usher syndrome type IB. Identifiers: MedGen C1848638, MONDO:0700087.

Allele frequency attached by ClinVar (database versions not stated): TOPMed 0.00002.
gnomAD v4.1: 5 of 1,611,206 alleles (0.00031%); highest among the groups gnomAD compares: African/African-American, 0.0067%; no homozygotes.

Submissions (3):

Ambry Genetics
Classification: Uncertain significance for Inborn genetic diseases. Last evaluated: 2024-11-09. Review status: criteria provided, single submitter. Criteria: Ambry Variant Classification Scheme 2023. Collection method: clinical testing. Allele origin: germline.

Labcorp Genetics (formerly Invitae), Labcorp
Classification: Uncertain significance. Last evaluated: 2022-03-10. Review status: criteria provided, single submitter. Criteria: Invitae Variant Classification Sherloc (09022015). Collection method: clinical testing. Allele origin: germline.
Comment: In summary, the available evidence is currently insufficient to determine the role of this variant in disease. Therefore, it has been classified as a Variant of Uncertain Significance. Advanced modeling of protein sequence and biophysical properties (such as structural, functional, and spatial information, amino acid conservation, physicochemical variation, residue mobility, and thermodynamic stability) performed at Invitae indicates that this missense variant is not expected to disrupt MYO7A protein function. ClinVar contains an entry for this variant (Variation ID: 1045100). This variant has not been reported in the literature in individuals affected with MYO7A-related conditions. This variant is not present in population databases (gnomAD no frequency). This sequence change replaces serine, which is neutral and polar, with proline, which is neutral and non-polar, at codon 357 of the MYO7A protein (p.Ser357Pro).

Natera, Inc.
Classification: Uncertain significance for Usher syndrome type 1B. Last evaluated: 2021-03-11. Review status: no assertion criteria provided. Collection method: clinical testing. Allele origin: germline. Not counted in ClinVar's aggregate classification.

NM_000260.4(MYO7A):c.1069T>C (p.Ser357Pro)

Gene: MYO7A (myosin VIIA; plus strand). Cytogenetic location: 11q13.5.
Variant type: single nucleotide variant.
Coding change: c.1069T>C on transcript NM_000260.4 (MANE Select); coding-DNA position 1069, T replaced by C.
Protein change: p.Ser357Pro; replaces serine 357 with proline.
Molecular consequence: missense variant.
Genome position (GRCh38, 1-based): chr11:77,159,512, T>C. VCF-style: chr11-77159512-T-C. GRCh37 (hg19) VCF-style: chr11-76870558-T-C.
Other names: c.1069T>C (NM_000260.3); c.1069T>C, p.Ser357Pro (NM_001127180.2); c.1036T>C, p.Ser346Pro (NM_001369365.1); short protein forms S346P, S357P.
Identifiers: ClinVar variation 1045100 (VCV001045100.7), dbSNP rs797033992, ClinGen allele CA381934072.